The following is an entry in ClinVar:

ClinVar aggregate classification (germline): Likely benign. Review status: criteria provided, multiple submitters, no conflicts (2 of 4 stars). 2 submissions from 2 submitters: Likely benign (2). Last evaluated 2026-01-13.

Allele frequency attached by ClinVar (database versions not stated): gnomAD exomes below 0.00001 and 0.00001; TOPMed 0.00001; gnomAD 0.00002.

Submissions (2):

Labcorp Genetics (formerly Invitae), Labcorp
Classification: Likely benign. Last evaluated: 2026-01-13. Review status: criteria provided, single submitter. Criteria: Invitae Variant Classification Sherloc (09022015). Collection method: clinical testing. Allele origin: germline.

Mayo Clinic Laboratories, Mayo Clinic
Classification: Likely benign. Last evaluated: 2025-09-04. Review status: criteria provided, single submitter. Criteria: ACMG Guidelines, 2015. Collection method: clinical testing. Allele origin: germline. Observed: 1 variant allele.
Comment: BP4, BP7

NM_003118.4(SPARC):c.666G>A (p.Lys222=)

Gene: SPARC (secreted protein acidic and cysteine rich; minus strand). Cytogenetic location: 5q33.1.
Variant type: single nucleotide variant.
Coding change: c.666G>A on transcript NM_003118.4 (MANE Select); coding-DNA position 666, G replaced by A.
Protein change: p.Lys222=; no amino-acid change (lysine 222 retained).
Molecular consequence: synonymous variant.
Genome position (GRCh38, 1-based): chr5:151,666,429, C>T on the plus strand (G>A on the coding strand, the complement: SPARC is on the minus strand). VCF-style: chr5-151666429-C-T. GRCh37 (hg19) VCF-style: chr5-151045990-C-T.
Other names: p.Lys222=; c.663G>A, p.Lys221= (NM_001309443.2); c.666G>A, p.Lys222= (NM_001309444.2).
Identifiers: ClinVar variation 1646456 (VCV001646456.9), dbSNP rs1343360788, ClinGen allele CA447211294.